The following is an entry in ClinVar:

ClinVar aggregate classification (germline): Uncertain significance (1 of 4 stars; one submission).

Conditions:
Hereditary cancer-predisposing syndrome. Also called: Tumor predisposition; Neoplastic Syndromes, Hereditary; Hereditary neoplastic syndrome; Hereditary Cancer Syndrome. Identifiers: Orphanet 140162, MedGen C0027672, MeSH D009386, MONDO:0015356.

Submission:

Ambry Genetics
Classification: Uncertain significance for Hereditary cancer-predisposing syndrome. Last evaluated: 2024-07-02. Review status: criteria provided, single submitter. Criteria: Ambry Variant Classification Scheme 2023. Collection method: clinical testing. Allele origin: germline.
Comment: The p.E1021D variant (also known as c.3063G>T), located in coding exon 26 of the TSC2 gene, results from a G to T substitution at nucleotide position 3063. The glutamic acid at codon 1021 is replaced by aspartic acid, an amino acid with highly similar properties. This amino acid position is conserved. In addition, this alteration is predicted to be deleterious by in silico analysis. Based on the available evidence, the clinical significance of this variant remains unclear.

NM_000548.5(TSC2):c.3063G>T (p.Glu1021Asp)

Gene: TSC2 (TSC complex subunit 2; plus strand). Cytogenetic location: 16p13.3.
Variant type: single nucleotide variant.
Coding change: c.3063G>T on transcript NM_000548.5 (MANE Select); coding-DNA position 3063, G replaced by T.
Protein change: p.Glu1021Asp; replaces glutamic acid 1021 with aspartic acid.
Molecular consequence: missense variant. On other transcripts: non-coding transcript variant (5).
Genome position (GRCh38, 1-based): chr16:2,079,128, G>T. VCF-style: chr16-2079128-G-T. GRCh37 (hg19) VCF-style: chr16-2129129-G-T.
Other names: c.2931G>T, p.Glu977Asp (NM_001077183.3, NM_001370404.1, NM_001406665.1); c.3063G>T, p.Glu1021Asp (NM_001114382.3); c.2823G>T, p.Glu941Asp (NM_001318827.2); c.2787G>T, p.Glu929Asp (NM_001318829.2); c.2331G>T, p.Glu777Asp (NM_001318831.2, NM_001406687.1, NM_001406688.1); c.2964G>T, p.Glu988Asp (NM_001318832.2); c.2934G>T, p.Glu978Asp (NM_001363528.2, NM_001370405.1, NM_021055.3); c.3060G>T, p.Glu1020Asp (NM_001406663.1, NM_001406664.1); and 18 more; short protein forms E1020D, E573D, E928D, E958D, E988D, E777D, E820D, E940D.
Identifiers: ClinVar variation 3462577 (VCV003462577.1).